The following is an entry in ClinVar:

NM_005076.5(CNTN2):c.541G>A (p.Gly181Arg)

Gene: CNTN2 (contactin 2; plus strand). Cytogenetic location: 1q32.1.
Variant type: single nucleotide variant.
Coding change: c.541G>A on transcript NM_005076.5 (MANE Select); coding-DNA position 541, G replaced by A.
Protein change: p.Gly181Arg; replaces glycine 181 with arginine.
Molecular consequence: missense variant. On other transcripts: non-coding transcript variant (1).
Genome position (GRCh38, 1-based): chr1:205,059,137, G>A. VCF-style: chr1-205059137-G-A. GRCh37 (hg19) VCF-style: chr1-205028265-G-A.
Other names: c.541G>A, p.Gly181Arg (NM_001346083.2); short protein forms G181R.
Identifiers: ClinVar variation 947619 (VCV000947619.7), dbSNP rs754696472, ClinGen allele CA1351079.

ClinVar aggregate classification (germline): Uncertain significance (1 of 4 stars; one submission).

Conditions:
Epilepsy, familial adult myoclonic, 5 (EPEO5). Also called: CORTICAL MYOCLONIC TREMOR WITH EPILEPSY, FAMILIAL, 5. Identifiers: Orphanet 86814, MedGen C3809374, MONDO:0014167, OMIM 615400.

Allele frequency attached by ClinVar (database versions not stated): gnomAD 0.00001 and 0.00003; TOPMed 0.00001; ExAC 0.00002; gnomAD exomes 0.00002 and 0.00003.
gnomAD v4.1: 42 of 1,614,044 alleles (0.0026%); highest among the groups gnomAD compares: Non-Finnish European, 0.0032%; no homozygotes.

Submission:

Labcorp Genetics (formerly Invitae), Labcorp
Classification: Uncertain significance for Epilepsy, familial adult myoclonic, 5. Last evaluated: 2024-01-29. Review status: criteria provided, single submitter. Criteria: Invitae Variant Classification Sherloc (09022015). Collection method: clinical testing. Allele origin: germline.
Comment: This sequence change replaces glycine, which is neutral and non-polar, with arginine, which is basic and polar, at codon 181 of the CNTN2 protein (p.Gly181Arg). This variant is present in population databases (rs754696472, gnomAD 0.003%). This variant has not been reported in the literature in individuals affected with CNTN2-related conditions. ClinVar contains an entry for this variant (Variation ID: 947619). Advanced modeling of protein sequence and biophysical properties (such as structural, functional, and spatial information, amino acid conservation, physicochemical variation, residue mobility, and thermodynamic stability) performed at Invitae indicates that this missense variant is not expected to disrupt CNTN2 protein function with a negative predictive value of 95%. In summary, the available evidence is currently insufficient to determine the role of this variant in disease. Therefore, it has been classified as a Variant of Uncertain Significance.